The following is an entry in ClinVar:

ClinVar aggregate classification (germline): Pathogenic (1 of 4 stars; one submission).

Conditions:
Autosomal recessive nonsyndromic hearing loss 9. Also called: NEUROSENSORY NONSYNDROMIC RECESSIVE DEAFNESS 9; OTOF-Related Hearing Loss; Deafness, autosomal recessive 9; AUDITORY NEUROPATHY, AUTOSOMAL RECESSIVE, 1, TEMPERATURE-SENSITIVE. Identifiers: Orphanet 90636, MedGen C1832828, MONDO:0010986, OMIM 601071.

Submission:

Institute of Rare Diseases, West China Hospital, Sichuan University
Classification: Pathogenic for Autosomal recessive nonsyndromic hearing loss 9. Last evaluated: 2025-01-09. Review status: criteria provided, single submitter. Criteria: ClinGen HL ACMG Specifications v1. Collection method: research. Allele origin: germline. Affected: yes.
Comment: PVS1;PM3_Supporting;PM2_Supporting

NM_194248.3(OTOF):c.4466_4467dup (p.Ile1490fs)

Gene: OTOF (otoferlin; minus strand). Cytogenetic location: 2p23.3.
Variant type: Duplication.
Coding change: c.4466_4467dup on transcript NM_194248.3 (MANE Select); coding-DNA positions 4466 to 4467, 2 bases duplicated (CC; older notation c.4466_4467dupCC).
Protein change: p.Ile1490fs; shifts the reading frame from isoleucine 1490.
Molecular consequence: frameshift variant.
Genome position (GRCh38, 1-based): chr2:26,466,747-26,466,748, GG duplicated on the plus strand (CC on the coding strand, the reverse complement: OTOF is on the minus strand); duplicating any 2 consecutive bases within chr2:26,466,747-26,466,750 gives the same sequence; the c. name uses the placement nearest the transcript's 3' end. VCF-style (leftmost placement, unchanged base first): chr2-26466746-T-TGG. GRCh37 (hg19) VCF-style: chr2-26689614-T-TGG.
Other names: c.4466_4467dup, p.Ile1490fs (NM_001287489.2); c.2165_2166dup, p.Ile723fs (NM_004802.4, NM_194323.3); c.2396_2397dup, p.Ile800fs (NM_194322.3); short protein forms I1490fs, I723fs, I800fs.
Identifiers: ClinVar variation 3601548 (VCV003601548.1).
Genomic context (GRCh38, chr2:26,466,746, plus strand): 5'-CAAGGAGGGAAAGCGACGGGAGTCTCACCCGGACCACATAGACTCGGACCAGCACATTGA[T>TGG]GGGGTCATTGCTCGGGATGCCCTGGAACATGCCGTAGGTGGAGTCGTAGCCGGCTTCCCG-3'